The following is an entry in ClinVar:

NM_001205254.2(OCLN):c.138_139del (p.Phe46fs)

Gene: OCLN (occludin; plus strand). Cytogenetic location: 5q13.2.
Variant type: Deletion.
Coding change: c.138_139del on transcript NM_001205254.2 (MANE Select); coding-DNA positions 138 to 139, 2 bases deleted (TT; older notation c.138_139delTT).
Protein change: p.Phe46fs; shifts the reading frame from phenylalanine 46.
Molecular consequence: frameshift variant. On other transcripts: intron variant (1).
Genome position (GRCh38, 1-based): chr5:69,509,228-69,509,229, TT deleted; deleting any 2 consecutive bases within chr5:69,509,225-69,509,229 gives the same sequence; the c. name uses the placement nearest the transcript's 3' end. VCF-style (leftmost placement, unchanged base first): chr5-69509224-CTT-C. GRCh37 (hg19) VCF-style: chr5-68805051-CTT-C.
Other names: c.138_139del, p.Phe46fs (NM_001410743.1, NM_001438048.1, NM_001438604.1 and 1 more transcripts); c.-24-4720_-24-4719del (NM_001205255.2); short protein forms F46fs.
Identifiers: ClinVar variation 2125619 (VCV002125619.4), dbSNP rs1309465358, ClinGen allele CA560300921.

ClinVar aggregate classification (germline): Pathogenic (1 of 4 stars; one submission).

Submission:

Labcorp Genetics (formerly Invitae), Labcorp
Classification: Pathogenic. Last evaluated: 2022-04-12. Review status: criteria provided, single submitter. Criteria: Invitae Variant Classification Sherloc (09022015). Collection method: clinical testing. Allele origin: germline.
Comment: For these reasons, this variant has been classified as Pathogenic. This variant has not been reported in the literature in individuals affected with OCLN-related conditions. This variant is present in population databases (no rsID available, gnomAD 0.003%). This sequence change creates a premature translational stop signal (p.Phe46Leufs*5) in the OCLN gene. It is expected to result in an absent or disrupted protein product. Loss-of-function variants in OCLN are known to be pathogenic (PMID: 20727516, 28179633).

Literature cited by the submitters: PubMed 20727516; PubMed 28179633.